The following is an entry in ClinVar:

NM_001244008.2(KIF1A):c.2213A>G (p.Asn738Ser)

Gene: KIF1A (kinesin family member 1A; minus strand). Cytogenetic location: 2q37.3.
Variant type: single nucleotide variant.
Coding change: c.2213A>G on transcript NM_001244008.2 (MANE Select); coding-DNA position 2213, A replaced by G.
Protein change: p.Asn738Ser; replaces asparagine 738 with serine.
Molecular consequence: missense variant.
Genome position (GRCh38, 1-based): chr2:240,761,281, T>C on the plus strand (A>G on the coding strand, the complement: KIF1A is on the minus strand). VCF-style: chr2-240761281-T-C. GRCh37 (hg19) VCF-style: chr2-241700698-T-C.
Other names: c.2213A>G, p.Asn738Ser (NM_001320705.2, NM_001330289.2, NM_001379638.1); c.2288A>G, p.Asn763Ser (NM_001330290.2, NM_001379631.1, NM_001379634.1 and 2 more transcripts); c.2186A>G, p.Asn729Ser (NM_001379632.1, NM_001379633.1, NM_001379636.1 and 10 more transcripts); c.2261A>G, p.Asn754Ser (NM_001379637.1, NM_001379648.1); short protein forms N738S, N729S, N763S, N754S.
Identifiers: ClinVar variation 579667 (VCV000579667.10), dbSNP rs1559506707, ClinGen allele CA351325424.

ClinVar aggregate classification (germline): Uncertain significance. Review status: criteria provided, multiple submitters, no conflicts (2 of 4 stars). 2 submissions from 2 submitters: Uncertain significance (2). Last evaluated 2023-10-09.

Conditions:
Neuropathy, hereditary sensory, type 2C. Also called: KIF1A-Related HSAN2 (HSAN2C); Hereditary sensory and autonomic neuropathy type IIC. Identifiers: Orphanet 970, MedGen C3280168, MONDO:0013634, OMIM 614213.
Intellectual disability, autosomal dominant 9 (NESCAVS). Also called: NESCAV SYNDROME; KIF1A-Related Neurodevelopmental Disorder. Identifiers: Orphanet 662367, MedGen C5393830, MONDO:0013656, OMIM 614255.
Hereditary spastic paraplegia 30. Identifiers: Orphanet 101010, MedGen C5235139, MONDO:0012476.

Allele frequency attached by ClinVar (database versions not stated): TOPMed below 0.00001.

Submissions (2):

Labcorp Genetics (formerly Invitae), Labcorp
Classification: Uncertain significance for Hereditary spastic paraplegia 30; Neuropathy, hereditary sensory, type 2C; Intellectual disability, autosomal dominant 9. Last evaluated: 2023-10-09. Review status: criteria provided, single submitter. Criteria: Invitae Variant Classification Sherloc (09022015). Collection method: clinical testing. Allele origin: germline.
Comment: This sequence change replaces asparagine, which is neutral and polar, with serine, which is neutral and polar, at codon 729 of the KIF1A protein (p.Asn729Ser). This variant is not present in population databases (gnomAD no frequency). This variant has not been reported in the literature in individuals affected with KIF1A-related conditions. ClinVar contains an entry for this variant (Variation ID: 579667). Advanced modeling of protein sequence and biophysical properties (such as structural, functional, and spatial information, amino acid conservation, physicochemical variation, residue mobility, and thermodynamic stability) has been performed at Invitae for this missense variant, however the output from this modeling did not meet the statistical confidence thresholds required to predict the impact of this variant on KIF1A protein function. In summary, the available evidence is currently insufficient to determine the role of this variant in disease. Therefore, it has been classified as a Variant of Uncertain Significance.

Baylor Genetics
Classification: Uncertain significance for Intellectual disability, autosomal dominant 9. Last evaluated: 2020-03-05. Review status: criteria provided, single submitter. Criteria: ACMG Guidelines, 2015. Collection method: clinical testing. Allele origin: unknown. Affected: yes.
Comment: This variant was determined to be of uncertain significance according to ACMG Guidelines, 2015 [PMID:25741868].